The following is an entry in ClinVar:

NM_001851.6(COL9A1):c.1610C>T (p.Thr537Met)

Gene: COL9A1 (collagen type IX alpha 1 chain; minus strand). Cytogenetic location: 6q13.
Variant type: single nucleotide variant.
Coding change: c.1610C>T on transcript NM_001851.6 (MANE Select); coding-DNA position 1610, C replaced by T.
Protein change: p.Thr537Met; replaces threonine 537 with methionine.
Molecular consequence: missense variant. On other transcripts: non-coding transcript variant (1).
Genome position (GRCh38, 1-based): chr6:70,255,151, G>A on the plus strand (C>T on the coding strand, the complement: COL9A1 is on the minus strand). VCF-style: chr6-70255151-G-A. GRCh37 (hg19) VCF-style: chr6-70964854-G-A.
Other names: c.881C>T, p.Thr294Met (NM_001377289.1, NM_001377290.1, NM_078485.4); short protein forms T294M, T537M.
Identifiers: ClinVar variation 840134 (VCV000840134.11), dbSNP rs141895443, ClinGen allele CA3882125.

ClinVar aggregate classification (germline): Conflicting classifications of pathogenicity. Review status: criteria provided, conflicting classifications (1 of 4 stars). 4 submissions from 4 submitters: Uncertain significance (3); Likely benign (1). Last evaluated 2025-08-09.

Conditions:
Inborn genetic diseases. Identifiers: MedGen C0950123, MeSH D030342.

Allele frequency attached by ClinVar (database versions not stated): gnomAD exomes 0.00004 and 0.00019; gnomAD 0.00005 and 0.00006; TOPMed 0.00008; ExAC 0.00015; ESP Exome Variant Server 0.00015.

Submissions (4):

Ambry Genetics
Classification: Uncertain significance for Inborn genetic diseases. Last evaluated: 2025-08-09. Review status: criteria provided, single submitter. Criteria: Ambry Variant Classification Scheme 2023. Collection method: clinical testing. Allele origin: germline.

Labcorp Genetics (formerly Invitae), Labcorp
Classification: Uncertain significance. Last evaluated: 2024-01-19. Review status: criteria provided, single submitter. Criteria: Invitae Variant Classification Sherloc (09022015). Collection method: clinical testing. Allele origin: germline.
Comment: This sequence change replaces threonine, which is neutral and polar, with methionine, which is neutral and non-polar, at codon 537 of the COL9A1 protein (p.Thr537Met). This variant is present in population databases (rs141895443, gnomAD 0.1%). This variant has not been reported in the literature in individuals affected with COL9A1-related conditions. ClinVar contains an entry for this variant (Variation ID: 840134). Algorithms developed to predict the effect of missense changes on protein structure and function output the following: SIFT: "Not Available"; PolyPhen-2: "Benign"; Align-GVGD: "Not Available". The methionine amino acid residue is found in multiple mammalian species, which suggests that this missense change does not adversely affect protein function. In summary, the available evidence is currently insufficient to determine the role of this variant in disease. Therefore, it has been classified as a Variant of Uncertain Significance.

GeneDx
Classification: Uncertain significance. Last evaluated: 2023-09-12. Review status: criteria provided, single submitter. Criteria: GeneDx Variant Classification Process June 2021. Collection method: clinical testing. Allele origin: germline.
Comment: Has not been previously published as pathogenic or benign to our knowledge; In silico analysis supports that this missense variant has a deleterious effect on protein structure/function

Blueprint Genetics
Classification: Likely benign. Last evaluated: 2022-01-27. Review status: criteria provided, single submitter. Criteria: ACMG Guidelines, 2015. Collection method: clinical testing. Allele origin: germline.